The following is an entry in ClinVar:

NM_006565.4(CTCF):c.1816A>G (p.Lys606Glu)

Gene: CTCF (CCCTC-binding factor; plus strand). Cytogenetic location: 16q22.1.
Variant type: single nucleotide variant.
Coding change: c.1816A>G on transcript NM_006565.4 (MANE Select); coding-DNA position 1816, A replaced by G.
Protein change: p.Lys606Glu; replaces lysine 606 with glutamic acid.
Molecular consequence: missense variant.
Genome position (GRCh38, 1-based): chr16:67,629,512, A>G. VCF-style: chr16-67629512-A-G. GRCh37 (hg19) VCF-style: chr16-67663415-A-G.
Other names: c.832A>G, p.Lys278Glu (NM_001191022.2); c.1816A>G, p.Lys606Glu (NM_001363916.2); short protein forms K278E, K606E.
Identifiers: ClinVar variation 1810520 (VCV001810520.1), dbSNP rs2543492337, ClinGen allele CA396322066.
Genomic context (GRCh38, chr16:67,629,512, plus strand): 5'-GAAAATGGAGGAGAAACGAAGAAGAGTAAACGTGGAAGAAAAAGAAAGATGCGCTCTAAG[A>G]AAGAAGATTCCTCTGACAGTGGTAAGTGACTTGTTCCTTGATTTGCTTACTATGGCAGGC-3'
Protein context (NP_006556.1, residues 596-616): RGRKRKMRSK[Lys606Glu]EDSSDSENAE

ClinVar aggregate classification (germline): Uncertain significance (1 of 4 stars; one submission).

Submission:

GeneDx
Classification: Uncertain significance. Last evaluated: 2022-07-08. Review status: criteria provided, single submitter. Criteria: GeneDx Variant Classification Process June 2021. Collection method: clinical testing. Allele origin: germline. Affected: yes.
Comment: Not observed at significant frequency in large population cohorts (gnomAD); In silico analysis supports that this missense variant does not alter protein structure/function; Has not been previously published as pathogenic or benign to our knowledge